The following is an entry in ClinVar:

NM_033026.6(PCLO):c.986C>G (p.Ala329Gly)

Gene: PCLO (piccolo presynaptic cytomatrix protein; minus strand). Cytogenetic location: 7q21.11.
Variant type: single nucleotide variant.
Coding change: c.986C>G on transcript NM_033026.6 (MANE Select); coding-DNA position 986, C replaced by G.
Protein change: p.Ala329Gly; replaces alanine 329 with glycine.
Molecular consequence: missense variant.
Genome position (GRCh38, 1-based): chr7:83,155,655, G>C on the plus strand (C>G on the coding strand, the complement: PCLO is on the minus strand). VCF-style: chr7-83155655-G-C. GRCh37 (hg19) VCF-style: chr7-82784971-G-C.
Other names: c.986C>G, p.Ala329Gly (NM_014510.3); short protein forms A329G.
Identifiers: ClinVar variation 2080281 (VCV002080281.4), dbSNP rs2484903522, ClinGen allele CA367916557.

ClinVar aggregate classification (germline): Uncertain significance (1 of 4 stars; one submission).

Allele frequency attached by ClinVar (database versions not stated): gnomAD exomes below 0.00001.
gnomAD v4.1: 3 of 1,613,804 alleles (0.00019%); highest among the groups gnomAD compares: Non-Finnish European, 0.00017%; no homozygotes.

Submission:

Labcorp Genetics (formerly Invitae), Labcorp
Classification: Uncertain significance. Last evaluated: 2023-11-01. Review status: criteria provided, single submitter. Criteria: Invitae Variant Classification Sherloc (09022015). Collection method: clinical testing. Allele origin: germline.
Comment: This sequence change replaces alanine, which is neutral and non-polar, with glycine, which is neutral and non-polar, at codon 329 of the PCLO protein (p.Ala329Gly). This variant is not present in population databases (gnomAD no frequency). This variant has not been reported in the literature in individuals affected with PCLO-related conditions. ClinVar contains an entry for this variant (Variation ID: 2080281). Experimental studies and prediction algorithms are not available or were not evaluated, and the functional significance of this variant is currently unknown. In summary, the available evidence is currently insufficient to determine the role of this variant in disease. Therefore, it has been classified as a Variant of Uncertain Significance.